The following is an entry in ClinVar:

NM_006206.6(PDGFRA):c.1017_1019delinsTCA (p.Arg340Gln)

Gene: PDGFRA (platelet derived growth factor receptor alpha; plus strand). Cytogenetic location: 4q12.
Variant type: Indel.
Coding change: c.1017_1019delinsTCA on transcript NM_006206.6 (MANE Select); coding-DNA positions 1017 to 1019, GCG replaced by TCA.
Protein change: p.Arg340Gln; replaces arginine 340 with glutamine.
Molecular consequence: missense variant.
Genome position (GRCh38, 1-based): chr4:54,267,637-54,267,639, GCG replaced by TCA. VCF-style: chr4-54267637-GCG-TCA. GRCh37 (hg19) VCF-style: chr4-55133804-GCG-TCA.
Other names: c.1017_1019delinsTCA, p.Arg340Gln (NM_001347827.2, NM_001347829.2); c.1092_1094delinsTCA, p.Arg365Gln (NM_001347828.2); c.1056_1058delinsTCA, p.Arg353Gln (NM_001347830.2); short protein forms R340Q, R353Q, R365Q.
Identifiers: ClinVar variation 4665192 (VCV004665192.2).

ClinVar aggregate classification (germline): Benign/Likely benign. Review status: criteria provided, multiple submitters, no conflicts (2 of 4 stars). 2 submissions from 2 submitters: Benign (1); Likely benign (1). Last evaluated 2026-06-16.

Conditions:
Hereditary cancer-predisposing syndrome. Also called: Neoplastic Syndromes, Hereditary; Tumor predisposition; Hereditary neoplastic syndrome; Hereditary Cancer Syndrome. Identifiers: Orphanet 140162, MedGen C0027672, MeSH D009386, MONDO:0015356.
Polyps, multiple and recurrent inflammatory fibroid, gastrointestinal. Identifiers: MedGen C5193005, MONDO:0008285, OMIM 175510.

Submissions (2):

Myriad Genetics, Inc.
Classification: Benign for Polyps, multiple and recurrent inflammatory fibroid, gastrointestinal. Last evaluated: 2026-06-16. Review status: criteria provided, single submitter. Criteria: Myriad Autosomal Dominant, Autosomal Recessive and X-Linked Classification Criteria (2023). Collection method: clinical testing. Allele origin: unknown.
Comment: This variant is considered benign. This variant has been observed at a population frequency that is significantly greater than expected given the associated disease prevalence and penetrance.

Ambry Genetics
Classification: Likely benign for Hereditary cancer-predisposing syndrome. Last evaluated: 2025-10-20. Review status: criteria provided, single submitter. Criteria: Ambry Variant Classification Scheme 2023. Collection method: clinical testing. Allele origin: germline.